The following is an entry in ClinVar:

ClinVar aggregate classification (germline): Uncertain significance. Review status: criteria provided, multiple submitters, no conflicts (2 of 4 stars). 2 submissions from 2 submitters: Uncertain significance (2). Last evaluated 2021-02-11.

Allele frequency attached by ClinVar (database versions not stated): gnomAD exomes below 0.00001; ExAC 0.00001.

Submissions (2):

Ambry Genetics
Classification: Uncertain significance. Last evaluated: 2021-02-11. Review status: criteria provided, single submitter. Criteria: Ambry Variant Classification Scheme 2023. Collection method: clinical testing. Allele origin: germline.
Comment: The c.1855_1857dupAAT variant (also known as p.N619dup), located in coding exon 14 of the RECQL gene, results from an in-frame duplication of AAT at nucleotide positions 1855 to 1857. This results in the duplication of an extra residue between codons 619 and 620. This amino acid position is not well conserved in available vertebrate species. In addition, this alteration is predicted to be neutral by in silico analysis (Choi Y et al. PLoS ONE. 2012; 7(10):e46688). Since supporting evidence is limited at this time, the clinical significance of this alteration remains unclear.

GeneDx
Classification: Uncertain significance. Last evaluated: 2019-12-05. Review status: criteria provided, single submitter. Criteria: GeneDx Variant Classification Process June 2021. Collection method: clinical testing. Allele origin: germline. Affected: yes.
Comment: Not observed at a significant frequency in large population cohorts (Lek 2016); In-frame insertion of 1 amino acid in a non-repeat region; Has not been previously published as pathogenic or benign to our knowledge

NM_002907.4(RECQL):c.1855_1857dup (p.Asn619_Ser620insAsn)

Genes: PYROXD1 (pyridine nucleotide-disulphide oxidoreductase domain 1; plus strand), RECQL (RecQ like helicase; minus strand). Cytogenetic location: 12p12.1.
Variant type: Duplication.
Coding change: c.1855_1857dup on transcript NM_002907.4 (MANE Select); coding-DNA positions 1855 to 1857, 3 bases duplicated (AAT; older notation c.1855_1857dupAAT).
Protein change: p.Asn619_Ser620insAsn.
Molecular consequence: inframe insertion. On other transcripts: 3 prime UTR variant (3).
Genome position (GRCh38, 1-based): chr12:21,470,287-21,470,289, ATT duplicated on the plus strand (AAT on the coding strand, the reverse complement: RECQL is on the minus strand). VCF-style (leftmost placement, unchanged base first): chr12-21470286-A-AATT. GRCh37 (hg19) VCF-style: chr12-21623220-A-AATT.
Other names: c.1855_1857dupAAT (NM_002907.3); c.1855_1857dup, p.Asn619_Ser620insAsn (NM_032941.3); c.*1533_*1535dup (NM_001350912.2, NM_001350913.2, NM_024854.5).
Identifiers: ClinVar variation 1311083 (VCV001311083.4), dbSNP rs763975885, ClinGen allele CA6478599.
Genomic context (GRCh38, chr12:21,470,286, plus strand): 5'-CTGTATTCTTAGAACCAGATTGCTGAAGCATGTTTGCAGCCTTCTTCTGGAAGTTGCCTG[A>AATT]ATTTTTTTCCTCCATCTTTTTATCACCTTGTTCAGAATGACAAGTTTGAGACGATTCAGC-3'